The following is an entry in ClinVar:

NM_005529.7(HSPG2):c.7511G>A (p.Arg2504His)

Gene: HSPG2 (heparan sulfate proteoglycan 2; minus strand). Cytogenetic location: 1p36.12.
Variant type: single nucleotide variant.
Coding change: c.7511G>A on transcript NM_005529.7 (MANE Select); coding-DNA position 7511, G replaced by A.
Protein change: p.Arg2504His; replaces arginine 2504 with histidine.
Molecular consequence: missense variant.
Genome position (GRCh38, 1-based): chr1:21,848,967, C>T on the plus strand (G>A on the coding strand, the complement: HSPG2 is on the minus strand). VCF-style: chr1-21848967-C-T. GRCh37 (hg19) VCF-style: chr1-22175460-C-T.
Other names: c.7514G>A, p.Arg2505His (NM_001291860.2); short protein forms R2504H, R2505H.
Identifiers: ClinVar variation 780223 (VCV000780223.27), dbSNP rs62642517, ClinGen allele CA671150.

ClinVar aggregate classification (germline): Benign/Likely benign. Review status: criteria provided, multiple submitters, no conflicts (2 of 4 stars). 8 submissions from 7 submitters: Benign (1); Likely benign (6). 1 of the submissions does not count toward it. Last evaluated 2026-01-17.

Conditions:
Lethal Kniest-like syndrome (DDSH). Also called: Dyssegmental Dysplasia. Identifiers: Orphanet 1865, MedGen C1857100, MONDO:0009140, OMIM 224410.
Schwartz-Jampel syndrome. Also called: Myotonic myopathy dwarfism chondrodystrophy and ocular and facial abnormalities. Identifiers: Orphanet 800, MedGen C0036391, MONDO:0009717.
HSPG2-related disorder. Also called: HSPG2-related condition; HSPG2-related disorders.
Inborn genetic diseases. Identifiers: MedGen C0950123, MeSH D030342.

Allele frequency attached by ClinVar (database versions not stated): gnomAD exomes 0.00072; ExAC 0.00082; 1000 Genomes Project 0.00240; gnomAD 0.00248 and 0.00261; TOPMed 0.00268; 1000 Genomes Project 30x 0.00281; ESP Exome Variant Server 0.00284.
gnomAD v4.1: 953 of 1,614,010 alleles (0.059%); highest among the groups gnomAD compares: African/African-American, 0.86%; 5 homozygotes.

Submissions (8):

Labcorp Genetics (formerly Invitae), Labcorp
Classification: Benign. Last evaluated: 2026-01-17. Review status: criteria provided, single submitter. Criteria: Invitae Variant Classification Sherloc (09022015). Collection method: clinical testing. Allele origin: germline.

Blueprint Genetics
Classification: Likely benign. Last evaluated: 2024-10-11. Review status: criteria provided, single submitter. Criteria: ACMG Guidelines, 2015. Collection method: clinical testing. Allele origin: germline.

Ambry Genetics
Classification: Likely benign for Inborn genetic diseases. Last evaluated: 2021-10-12. Review status: criteria provided, single submitter. Criteria: Ambry Variant Classification Scheme 2023. Collection method: clinical testing. Allele origin: germline.

ARUP Laboratories, Molecular Genetics and Genomics, ARUP Laboratories
Classification: Likely benign. Last evaluated: 2021-05-12. Review status: criteria provided, single submitter. Criteria: ARUP Molecular Germline Variant Investigation Process 2021. Collection method: clinical testing. Allele origin: germline.

Illumina Laboratory Services, Illumina
Classification: Likely benign for Lethal Kniest-like syndrome. Last evaluated: 2018-01-13. Review status: criteria provided, single submitter. Criteria: ICSL Variant Classification Criteria 13 December 2019. Collection method: clinical testing. Allele origin: germline.
Comment: This variant was observed in the ICSL laboratory as part of a predisposition screen in an ostensibly healthy population. It had not been previously curated by ICSL or reported in the Human Gene Mutation Database (HGMD: prior to June 1st, 2018), and was therefore a candidate for classification through an automated scoring system. Utilizing variant allele frequency, disease prevalence and penetrance estimates, and inheritance mode, an automated score was calculated to assess if this variant is too frequent to cause the disease. Based on the score and internal cut-off values, a variant classified as likely benign is not then subjected to further curation. The score for this variant resulted in a classification of likely benign for this disease.

Illumina Laboratory Services, Illumina
Classification: Likely benign for Schwartz-Jampel syndrome type 1. Last evaluated: 2018-01-13. Review status: criteria provided, single submitter. Criteria: ICSL Variant Classification Criteria 13 December 2019. Collection method: clinical testing. Allele origin: germline.
Comment: the same text as in the submission from Illumina Laboratory Services, Illumina above.

Breakthrough Genomics
Classification: Likely benign. Review status: criteria provided, single submitter. Criteria: ACMG Guidelines, 2015. Collection method: not provided. Allele origin: germline. Inheritance: Autosomal recessive inheritance. Affected: yes.

PreventionGenetics, part of Exact Sciences
Classification: Likely benign for HSPG2-related condition. Last evaluated: 2019-04-29. Review status: no assertion criteria provided. Collection method: clinical testing. Allele origin: germline. Not counted in ClinVar's aggregate classification.
Comment: This variant is classified as likely benign based on ACMG/AMP sequence variant interpretation guidelines (Richards et al. 2015 PMID: 25741868, with internal and published modifications).